The following is an entry in ClinVar:

NM_173728.4(ARHGEF15):c.1721C>A (p.Thr574Lys)

Gene: ARHGEF15 (Rho guanine nucleotide exchange factor 15; plus strand). Cytogenetic location: 17p13.1.
Variant type: single nucleotide variant.
Coding change: c.1721C>A on transcript NM_173728.4 (MANE Select); coding-DNA position 1721, C replaced by A.
Protein change: p.Thr574Lys; replaces threonine 574 with lysine.
Molecular consequence: missense variant.
Genome position (GRCh38, 1-based): chr17:8,318,403, C>A. VCF-style: chr17-8318403-C-A. GRCh37 (hg19) VCF-style: chr17-8221721-C-A.
Other names: c.1721C>A, p.Thr574Lys (NM_025014.2); short protein forms T574K.
Identifiers: ClinVar variation 971753 (VCV000971753.11), dbSNP rs768707221, ClinGen allele CA398022628.

ClinVar aggregate classification (germline): Uncertain significance (1 of 4 stars; one submission).

Conditions:
Early-infantile DEE. Also called: Ohtahara syndrome; Early infantile epileptic encephalopathy with suppression bursts; Early infantile epileptic encephalopathy. Identifiers: Orphanet 1934, MedGen C0393706, MONDO:0800491.

gnomAD v4.1: 1 of 1,614,008 alleles (0.000062%); highest among the groups gnomAD compares: Non-Finnish European, 0.000085%; no homozygotes.

Submission:

Labcorp Genetics (formerly Invitae), Labcorp
Classification: Uncertain significance for Early-infantile DEE. Last evaluated: 2022-03-23. Review status: criteria provided, single submitter. Criteria: Invitae Variant Classification Sherloc (09022015). Collection method: clinical testing. Allele origin: germline.
Comment: Algorithms developed to predict the effect of missense changes on protein structure and function are either unavailable or do not agree on the potential impact of this missense change (SIFT: "Tolerated"; PolyPhen-2: "Probably Damaging"; Align-GVGD: "Class C0"). In summary, the available evidence is currently insufficient to determine the role of this variant in disease. Therefore, it has been classified as a Variant of Uncertain Significance. ClinVar contains an entry for this variant (Variation ID: 971753). This sequence change replaces threonine, which is neutral and polar, with lysine, which is basic and polar, at codon 574 of the ARHGEF15 protein (p.Thr574Lys). This variant is present in population databases (no rsID available, gnomAD 0.0009%). This variant has not been reported in the literature in individuals affected with ARHGEF15-related conditions.